The following is an entry in ClinVar:

ClinVar aggregate classification (germline): Pathogenic/Likely pathogenic. Review status: criteria provided, multiple submitters, no conflicts (2 of 4 stars). 4 submissions from 4 submitters: Pathogenic (2); Likely pathogenic (2). Last evaluated 2025-01-01.

Conditions:
Oculocutaneous albinism type 4 (OCA4). Also called: Albinism, oculocutaneous, type IV. Identifiers: Orphanet 79435, MedGen C1847836, MONDO:0011683, OMIM 606574.
SLC45A2-related disorder. Also called: SLC45A2-related condition.
SKIN/HAIR/EYE PIGMENTATION 5, BLACK/NONBLACK HAIR (SHEP5). Also called: SKIN/HAIR/EYE PIGMENTATION, VARIATION IN, 5; SKIN/HAIR/EYE PIGMENTATION 5, DARK/FAIR SKIN; SKIN/HAIR/EYE PIGMENTATION 5, DARK/LIGHT EYES. Identifiers: MedGen C2673584, OMIM 227240.

Submissions (4):

Laboratory of Genetic Epidemiology, Research Centre for Medical Genetics
Classification: Pathogenic for SKIN/HAIR/EYE PIGMENTATION 5, BLACK/NONBLACK HAIR; Oculocutaneous albinism type 4. Last evaluated: 2025-01-01. Review status: criteria provided, single submitter. Criteria: ACMG Guidelines, 2015. Collection method: clinical testing. Allele origin: biparental. Inheritance: Autosomal recessive inheritance. Affected: yes. Observed: 1 homozygote.
Comment: This variant has not been previously reported in the literature and is not listed in gnomAD v3.1.2. Taken together, the variant meets the following ACMG/AMP criteria and can be classified as pathogenic with PM2, PVS1, PM3, PP4 criteria.

Laboratory of Medical Genetics, National & Kapodistrian University of Athens
Classification: Likely pathogenic for Oculocutaneous albinism type 4. Last evaluated: 2023-09-14. Review status: criteria provided, single submitter. Criteria: ACMG Guidelines, 2015. Collection method: clinical testing. Allele origin: germline. Affected: yes.
Comment: PVS1, PM2 - The variant has been reported in ClinVar as Pathogenic by other laboratories (Variation ID 2838909). Loss-of-function is a known mechanism of disease for this gene. Low frequency in gnomAD population databases.

Blueprint Genetics
Classification: Likely pathogenic for SLC45A2-related disorders. Last evaluated: 2023-09-08. Review status: criteria provided, single submitter. Criteria: ACMG Guidelines, 2015. Collection method: clinical testing. Allele origin: germline. Affected: yes. Observed: 1 variant allele.

Labcorp Genetics (formerly Invitae), Labcorp
Classification: Pathogenic. Last evaluated: 2023-02-18. Review status: criteria provided, single submitter. Criteria: Invitae Variant Classification Sherloc (09022015). Collection method: clinical testing. Allele origin: germline.
Comment: This variant has not been reported in the literature in individuals affected with SLC45A2-related conditions. This variant is not present in population databases (gnomAD no frequency). This sequence change creates a premature translational stop signal (p.Leu479Serfs*30) in the SLC45A2 gene. While this is not anticipated to result in nonsense mediated decay, it is expected to disrupt the last 52 amino acid(s) of the SLC45A2 protein. This variant disrupts a region of the SLC45A2 protein in which other variant(s) (p.Cys519Arg) have been determined to be pathogenic (Invitae). This suggests that this is a clinically significant region of the protein, and that variants that disrupt it are likely to be disease-causing. For these reasons, this variant has been classified as Pathogenic.

Literature cited by the submitters: PubMed 41428507 (cited by Laboratory of Genetic Epidemiology, Research Centre for Medical Genetics).

NM_016180.5(SLC45A2):c.1435del (p.Leu479fs)

Gene: SLC45A2 (solute carrier family 45 member 2; minus strand). Cytogenetic location: 5p13.2.
Variant type: Deletion.
Coding change: c.1435del on transcript NM_016180.5 (MANE Select); coding-DNA position 1435, one base deleted (C; older notation c.1435delC).
Protein change: p.Leu479fs; shifts the reading frame from leucine 479.
Molecular consequence: frameshift variant.
Genome position (GRCh38, 1-based): chr5:33,944,806, G deleted on the plus strand (C on the coding strand, the reverse complement: SLC45A2 is on the minus strand); the first of 3 consecutive G bases (chr5:33,944,806-33,944,808); deleting any one gives the same sequence. VCF-style (leftmost placement, unchanged base first): chr5-33944805-AG-A. GRCh37 (hg19) VCF-style: chr5-33944910-AG-A.
Other names: c.1435delC (NM_016180.4); short protein forms L479fs.
Identifiers: ClinVar variation 2838909 (VCV002838909.6), dbSNP rs2478762696, ClinGen allele CA2739274639.